The following is an entry in ClinVar:

ClinVar aggregate classification (germline): Uncertain significance (1 of 4 stars; one submission).

Conditions:
Congenital sideroblastic anemia-B-cell immunodeficiency-periodic fever-developmental delay syndrome. Also called: Sideroblastic anemia with B-cell immunodeficiency, periodic fevers, and developmental delay. Identifiers: Orphanet 369861, MedGen C4015172, MONDO:0014487, OMIM 616084.

Submission:

Labcorp Genetics (formerly Invitae), Labcorp
Classification: Uncertain significance for Congenital sideroblastic anemia-B-cell immunodeficiency-periodic fever-developmental delay syndrome. Last evaluated: 2024-02-06. Review status: criteria provided, single submitter. Criteria: Invitae Variant Classification Sherloc (09022015). Collection method: clinical testing. Allele origin: germline.
Comment: This sequence change replaces serine, which is neutral and polar, with alanine, which is neutral and non-polar, at codon 157 of the TRNT1 protein (p.Ser157Ala). This variant is not present in population databases (gnomAD no frequency). This variant has not been reported in the literature in individuals affected with TRNT1-related conditions. Advanced modeling of protein sequence and biophysical properties (such as structural, functional, and spatial information, amino acid conservation, physicochemical variation, residue mobility, and thermodynamic stability) performed at Invitae indicates that this missense variant is not expected to disrupt TRNT1 protein function with a negative predictive value of 80%. In summary, the available evidence is currently insufficient to determine the role of this variant in disease. Therefore, it has been classified as a Variant of Uncertain Significance.

NM_182916.3(TRNT1):c.469T>G (p.Ser157Ala)

Gene: TRNT1 (tRNA nucleotidyl transferase 1; plus strand). Cytogenetic location: 3p26.2.
Variant type: single nucleotide variant.
Coding change: c.469T>G on transcript NM_182916.3 (MANE Select); coding-DNA position 469, T replaced by G.
Protein change: p.Ser157Ala; replaces serine 157 with alanine.
Molecular consequence: missense variant. On other transcripts: non-coding transcript variant (6).
Genome position (GRCh38, 1-based): chr3:3,140,636, T>G. VCF-style: chr3-3140636-T-G. GRCh37 (hg19) VCF-style: chr3-3182320-T-G.
Other names: c.469T>G, p.Ser157Ala (NM_001302946.2, NM_001367321.1, NM_001367322.1 and 1 more transcripts); short protein forms S157A.
Identifiers: ClinVar variation 3639140 (VCV003639140.2).